The following is an entry in ClinVar:

NM_020408.6(LYRM4):c.36_37del (p.Tyr13fs)

Genes: FARS2 (phenylalanyl-tRNA synthetase 2, mitochondrial; plus strand), LYRM4 (LYR motif containing 4; minus strand), LOC129995672 (ATAC-STARR-seq lymphoblastoid silent region 16873; plus strand). Cytogenetic location: 6p25.1.
Variant type: Deletion.
Coding change: c.36_37del on transcript NM_020408.6 (MANE Select); coding-DNA positions 36 to 37, 2 bases deleted (GT; older notation c.36_37delGT).
Protein change: p.Tyr13fs; shifts the reading frame from tyrosine 13.
Molecular consequence: frameshift variant. On other transcripts: non-coding transcript variant (3).
Genome position (GRCh38, 1-based): chr6:5,260,697-5,260,698, AC deleted on the plus strand (GT on the coding strand, the reverse complement: LYRM4 is on the minus strand); deleting any 2 consecutive bases within chr6:5,260,697-5,260,699 gives the same sequence; the c. name uses the placement nearest the transcript's 3' end. VCF-style (leftmost placement, unchanged base first): chr6-5260696-TAC-T. GRCh37 (hg19) VCF-style: chr6-5260929-TAC-T.
Other names: c.36_37del, p.Tyr13fs (NM_001164840.3, NM_001164841.3, NM_001318782.1 and 1 more transcripts); short protein forms Y13fs.
Identifiers: ClinVar variation 1522618 (VCV001522618.6), dbSNP rs765503332, ClinGen allele CA3623550.

ClinVar aggregate classification (germline): Uncertain significance (1 of 4 stars; one submission).

Submission:

Labcorp Genetics (formerly Invitae), Labcorp
Classification: Uncertain significance. Last evaluated: 2025-09-23. Review status: criteria provided, single submitter. Criteria: Invitae Variant Classification Sherloc (09022015). Collection method: clinical testing. Allele origin: germline.
Comment: This sequence change creates a premature translational stop signal (p.Tyr13Profs*31) in the LYRM4 gene. It is expected to result in an absent or disrupted protein product. However, the current clinical and genetic evidence is not sufficient to establish whether loss-of-function variants in LYRM4 cause disease. This variant is present in population databases (rs765503332, gnomAD 0.003%). This variant has not been reported in the literature in individuals affected with LYRM4-related conditions. ClinVar contains an entry for this variant (Variation ID: 1522618). In summary, the available evidence is currently insufficient to determine the role of this variant in disease. Therefore, it has been classified as a Variant of Uncertain Significance.